The following is an entry in ClinVar:

NM_000548.5(TSC2):c.2742+6C>T

Gene: TSC2 (TSC complex subunit 2; plus strand). Cytogenetic location: 16p13.3.
Variant type: single nucleotide variant.
Coding change: c.2742+6C>T on transcript NM_000548.5 (MANE Select); 6 bases into the intron after coding-DNA position 2742, C replaced by T.
Molecular consequence: intron variant.
Genome position (GRCh38, 1-based): chr16:2,076,176, C>T. VCF-style: chr16-2076176-C-T. GRCh37 (hg19) VCF-style: chr16-2126177-C-T.
Other names: c.2742+6C>T (NM_000548.4, NM_001114382.3, NM_021055.3 and 4 more transcripts); c.2631+6C>T (NM_001318827.2); c.2142+6C>T (NM_001318831.2); c.2595+6C>T (NM_001318829.2); c.2775+6C>T (NM_001318832.2).
Identifiers: ClinVar variation 406063 (VCV000406063.19), dbSNP rs377568673, ClinGen allele CA041460.
Genomic context (GRCh38, chr16:2,076,176, plus strand): 5'-GTTCATCAGGTGCCGCCTGCCCTTCCGGAAGGATTTTGTCCCTTTCATCACTAAGGTGGG[C>T]TCAGGGCCGGTGAAGGCTGTGTCTCTCGGTAGGCCAGGGCTTGCTTTGCCCTTGGCTGTC-3'

ClinVar aggregate classification (germline): Conflicting classifications of pathogenicity. Review status: criteria provided, conflicting classifications (1 of 4 stars). 8 submissions from 8 submitters: Uncertain significance (2); Benign (2); Likely benign (4). Last evaluated 2026-08-28.

Conditions:
TSC2-related disorder. Also called: TSC2-related condition; TSC2-Related Disorders.
Tuberous sclerosis syndrome (TSC). Also called: Tuberous Sclerosis Complex; Tuberous sclerosis. Identifiers: Orphanet 805, MedGen C0041341, MONDO:0001734.
Tuberous sclerosis 2 (TSC2). Identifiers: Orphanet 805, MedGen C1860707, MONDO:0013199, OMIM 613254.

Allele frequency attached by ClinVar (database versions not stated): ExAC 0.00001; TOPMed 0.00002; gnomAD 0.00003 and 0.00004; ESP Exome Variant Server 0.00008.
gnomAD v4.1: 53 of 1,613,402 alleles (0.0033%); highest among the groups gnomAD compares: Non-Finnish European, 0.0045%; no homozygotes.

Submissions (8):

PreventionGenetics, part of Exact Sciences
Classification: Likely benign for TSC2-related condition. Last evaluated: 2026-08-28. Review status: criteria provided, single submitter. Criteria: ACMG Guidelines, 2015. Collection method: clinical testing. Allele origin: germline.
Comment: This variant is classified as likely benign based on ACMG/AMP sequence variant interpretation guidelines (Richards et al. 2015 PMID: 25741868, with internal and published modifications).

Women's Health and Genetics/Laboratory Corporation of America, LabCorp
Classification: Likely benign. Last evaluated: 2026-02-25. Review status: criteria provided, single submitter. Criteria: LabCorp Variant Classification Summary - May 2015. Collection method: clinical testing. Allele origin: germline.
Comment: Variant summary: TSC2 c.2742+6C>T alters a non-conserved nucleotide located close to a canonical splice site and therefore could affect mRNA splicing, leading to a significantly altered protein sequence. Consensus agreement among computation tools predict no significant impact on normal splicing. However, these predictions have yet to be confirmed by functional studies. The variant allele was found at a frequency of 1.2e-05 in 250208 control chromosomes (gnomAD v2) and a total of 53 heterozygotes were found in the gnomAD v4 database. To our knowledge, no occurrence of c.2742+6C>T in individuals affected with TSC2-related conditions and no experimental evidence demonstrating its impact on protein function have been reported. ClinVar contains an entry for this variant (Variation ID: 406063). Based on the evidence outlined above, the variant was classified as likely benign.

Labcorp Genetics (formerly Invitae), Labcorp
Classification: Benign for Tuberous sclerosis 2. Last evaluated: 2026-01-24. Review status: criteria provided, single submitter. Criteria: Invitae Variant Classification Sherloc (09022015). Collection method: clinical testing. Allele origin: germline.

Myriad Genetics, Inc.
Classification: Likely benign for Tuberous sclerosis 2. Last evaluated: 2025-05-21. Review status: criteria provided, single submitter. Criteria: Myriad Autosomal Dominant, Autosomal Recessive and X-Linked Classification Criteria (2023). Collection method: clinical testing. Allele origin: unknown.
Comment: This variant is considered likely benign. This variant is intronic and is not expected to impact mRNA splicing.

All of Us Research Program, National Institutes of Health
Classification: Uncertain significance for Tuberous sclerosis syndrome. Last evaluated: 2024-05-14. Review status: criteria provided, single submitter. Criteria: ACMG Guidelines, 2015. Collection method: clinical testing. Allele origin: germline. Inheritance: Autosomal dominant inheritance. Observed: 8 variant alleles, 8 heterozygotes.
Comment: This variant causes a C to T nucleotide substitution at the +6 position of intron 24 of the TSC2 gene. To our knowledge, functional studies have not been reported for this variant. This variant has not been reported in individuals affected with tuberous sclerosis complex in the literature. This variant has been identified in 3/250208 chromosomes in the general population by the Genome Aggregation Database (gnomAD). The available evidence is insufficient to determine the role of this variant in disease conclusively. Therefore, this variant is classified as a Variant of Uncertain Significance.

This study involves interpretation of variants in research participants for the purpose of population health screening. Participant phenotype was not available at the time of variant classification. Additional details can be found in publication PMID: 35346344, PMCID: PMC8962531

Color Diagnostics, LLC DBA Color Health
Classification: Uncertain significance for Tuberous sclerosis syndrome. Last evaluated: 2024-04-24. Review status: criteria provided, single submitter. Criteria: ACMG Guidelines, 2015. Collection method: clinical testing. Allele origin: germline.
Comment: This variant causes a C to T nucleotide substitution at the +6 position of intron 24 of the TSC2 gene. To our knowledge, functional studies have not been reported for this variant. This variant has not been reported in individuals affected with tuberous sclerosis complex in the literature. This variant has been identified in 3/250208 chromosomes in the general population by the Genome Aggregation Database (gnomAD). The available evidence is insufficient to determine the role of this variant in disease conclusively. Therefore, this variant is classified as a Variant of Uncertain Significance.

Genome-Nilou Lab
Classification: Benign for Tuberous sclerosis 2. Last evaluated: 2021-11-07. Review status: criteria provided, single submitter. Criteria: ACMG Guidelines, 2015. Collection method: clinical testing. Allele origin: germline. Affected: no.

GeneDx
Classification: Likely benign. Last evaluated: 2018-04-13. Review status: criteria provided, single submitter. Criteria: GeneDx Variant Classification (06012015). Collection method: clinical testing. Allele origin: germline. Affected: yes.
Comment: This variant is considered likely benign or benign based on one or more of the following criteria: it is a conservative change, it occurs at a poorly conserved position in the protein, it is predicted to be benign by multiple in silico algorithms, and/or has population frequency not consistent with disease.